The following is an entry in ClinVar:

NM_000540.3(RYR1):c.4444G>A (p.Val1482Ile)

Gene: RYR1 (ryanodine receptor 1; plus strand). Cytogenetic location: 19q13.2.
Variant type: single nucleotide variant.
Coding change: c.4444G>A on transcript NM_000540.3 (MANE Select); coding-DNA position 4444, G replaced by A.
Protein change: p.Val1482Ile; replaces valine 1482 with isoleucine.
Molecular consequence: missense variant.
Genome position (GRCh38, 1-based): chr19:38,477,860, G>A. VCF-style: chr19-38477860-G-A. GRCh37 (hg19) VCF-style: chr19-38968500-G-A.
Other names: c.4444G>A, p.Val1482Ile (NM_001042723.2); short protein forms V1482I.
Identifiers: ClinVar variation 572002 (VCV000572002.18), dbSNP rs747718728, ClinGen allele CA066054.
Genomic context (GRCh38, chr19:38,477,860, plus strand): 5'-AGCTTCGACCTCAGCAAGGTCCGGGTCGTGACGGTGACCATGGGGGATGAACAAGGCAAC[G>A]TCCACAGCAGGTGCCGGGGCTGGGGGGAGGTGGGAGGTGCAGGGTGGGGAGGGCAGGAGG-3'
Protein context (NP_000531.2, residues 1472-1492): TVTMGDEQGN[Val1482Ile]HSSLKCSNCY

ClinVar aggregate classification (germline): Conflicting classifications of pathogenicity. Review status: criteria provided, conflicting classifications (1 of 4 stars). 9 submissions from 9 submitters: Uncertain significance (6); Likely benign (2). 1 of the submissions does not count toward it. Last evaluated 2026-01-19.

Conditions:
Congenital multicore myopathy with external ophthalmoplegia (CMYO1B). Also called: MULTIMINICORE DISEASE WITH EXTERNAL OPHTHALMOPLEGIA; Minicore myopathy with external ophthalmoplegia; MULTICORE MYOPATHY; Congenital myopathy 1B, autosomal recessive; Minicore myopathy. Identifiers: Orphanet 598, Orphanet 98905, MedGen C1850674, MONDO:0009712, OMIM 255320, HP:0003789.
King Denborough syndrome (KDS). Identifiers: MedGen C1840365, MONDO:0020485, OMIM 619542.
Central core myopathy (CMYO1A). Also called: CONGENITAL MYOPATHY 1A, AUTOSOMAL DOMINANT, WITH SUSCEPTIBILITY TO MALIGNANT HYPERTHERMIA; Central core disease; Myopathy, central fibrillar. Identifiers: Orphanet 597, MedGen C5830701, MONDO:0007294, OMIM 117000.
Malignant hyperthermia, susceptibility to, 1 (MHS1). Also called: Malignant hyperthermia suceptibility 1; Anesthesia related hyperthermia; Malignant hyperpyrexia; Fulminating hyperpyrexia; Pharmacogenic myopathy; RYR1-Related Malignant Hyperthermia Susceptibility. Identifiers: Orphanet 423, MedGen C2930980, MONDO:0007783, OMIM 145600.
Congenital myopathy with fiber type disproportion. Also called: Congenital fiber-type disproportion; Congenital fiber-type disproportion myopathy. Identifiers: Orphanet 2020, MedGen C0546264, MONDO:0009711. Inheritance: all.
RYR1-related disorder. Also called: RYR1-related condition; RYR1-related disorders. Identifiers: MedGen CN239331.
Inborn genetic diseases. Identifiers: MedGen C0950123, MeSH D030342.

Allele frequency attached by ClinVar (database versions not stated): gnomAD 0.00001 and 0.00003; gnomAD exomes 0.00002 and 0.00004; ExAC 0.00003; TOPMed 0.00006.
gnomAD v4.1: 36 of 1,604,302 alleles (0.0022%); highest among the groups gnomAD compares: Admixed American, 0.018%; no homozygotes.

Submissions (9):

Labcorp Genetics (formerly Invitae), Labcorp
Classification: Uncertain significance for RYR1-related disorder. Last evaluated: 2026-01-19. Review status: criteria provided, single submitter. Criteria: Invitae Variant Classification Sherloc (09022015). Collection method: clinical testing. Allele origin: germline.
Comment: This sequence change replaces valine, which is neutral and non-polar, with isoleucine, which is neutral and non-polar, at codon 1482 of the RYR1 protein (p.Val1482Ile). This variant is present in population databases (rs747718728, gnomAD 0.02%). This variant has not been reported in the literature in individuals affected with RYR1-related conditions. ClinVar contains an entry for this variant (Variation ID: 572002). Invitae Evidence Modeling of protein sequence and biophysical properties (such as structural, functional, and spatial information, amino acid conservation, physicochemical variation, residue mobility, and thermodynamic stability) indicates that this missense variant is not expected to disrupt RYR1 protein function with a negative predictive value of 80%. In summary, the available evidence is currently insufficient to determine the role of this variant in disease. Therefore, it has been classified as a Variant of Uncertain Significance.

All of Us Research Program, National Institutes of Health
Classification: Uncertain significance for Malignant hyperthermia, susceptibility to, 1. Last evaluated: 2024-08-13. Review status: criteria provided, single submitter. Criteria: ACMG Guidelines, 2015. Collection method: clinical testing. Allele origin: germline. Inheritance: Autosomal dominant inheritance. Observed: 14 variant alleles, 14 heterozygotes.
Comment: This missense variant replaces valine with isoleucine at codon 1482 of the RYR1 protein. Computational prediction suggests that this variant may not impact protein structure and function (internally defined REVEL score threshold <= 0.5, PMID: 27666373). To our knowledge, functional studies have not been reported for this variant. This variant has not been reported in individuals affected with RYR1-related disorders in the literature. This variant has been identified in 9/249948 chromosomes in the general population by the Genome Aggregation Database (gnomAD). The available evidence is insufficient to determine the role of this variant in disease conclusively. Therefore, this variant is classified as a Variant of Uncertain Significance.

This study involves interpretation of variants in research participants for the purpose of population health screening. Participant phenotype was not available at the time of variant classification. Additional details can be found in publication PMID: 35346344, PMCID: PMC8962531

GeneDx
Classification: Uncertain significance. Last evaluated: 2024-07-12. Review status: criteria provided, single submitter. Criteria: GeneDx Variant Classification Process June 2021. Collection method: clinical testing. Allele origin: germline. Affected: yes.
Comment: In silico analysis indicates that this missense variant does not alter protein structure/function; Has not been previously published as pathogenic or benign to our knowledge

Revvity Omics, Revvity
Classification: Uncertain significance. Last evaluated: 2024-04-19. Review status: criteria provided, single submitter. Criteria: ACMG Guidelines, 2015. Collection method: clinical testing. Allele origin: germline.

Color Diagnostics, LLC DBA Color Health
Classification: Uncertain significance for Malignant hyperthermia, susceptibility to, 1. Last evaluated: 2024-03-06. Review status: criteria provided, single submitter. Criteria: ACMG Guidelines, 2015. Collection method: clinical testing. Allele origin: germline.
Comment: This missense variant replaces valine with isoleucine at codon 1482 of the RYR1 protein. Computational prediction suggests that this variant may not impact protein structure and function. To our knowledge, functional studies have not been reported for this variant. This variant has not been reported in individuals affected with RYR1-related disorders in the literature. This variant has been identified in 9/249948 chromosomes in the general population by the Genome Aggregation Database (gnomAD). The available evidence is insufficient to determine the role of this variant in disease conclusively. Therefore, this variant is classified as a Variant of Uncertain Significance.

Blueprint Genetics
Classification: Likely benign. Last evaluated: 2023-05-12. Review status: criteria provided, single submitter. Criteria: ACMG Guidelines, 2015. Collection method: clinical testing. Allele origin: germline.

Ambry Genetics
Classification: Likely benign for Inborn genetic diseases. Last evaluated: 2022-09-06. Review status: criteria provided, single submitter. Criteria: Ambry Variant Classification Scheme 2023. Collection method: clinical testing. Allele origin: germline.

Fulgent Genetics
Classification: Uncertain significance for Central core myopathy; Malignant hyperthermia, susceptibility to, 1; Congenital myopathy 4A, autosomal dominant; Congenital multicore myopathy with external ophthalmoplegia; King Denborough syndrome. Last evaluated: 2021-09-17. Review status: criteria provided, single submitter. Criteria: ACMG Guidelines, 2015. Collection method: clinical testing. Allele origin: unknown.

PreventionGenetics, part of Exact Sciences
Classification: Uncertain significance for RYR1-related condition. Last evaluated: 2023-12-13. Review status: no assertion criteria provided. Collection method: clinical testing. Allele origin: germline. Not counted in ClinVar's aggregate classification.
Comment: The RYR1 c.4444G>A variant is predicted to result in the amino acid substitution p.Val1482Ile. To our knowledge, this variant has not been reported in the literature. This variant is reported in 0.017% of alleles in individuals of Latino descent in gnomAD. At this time, the clinical significance of this variant is uncertain due to the absence of conclusive functional and genetic evidence.